The following is an entry in ClinVar:

ClinVar aggregate classification (germline): Uncertain significance. Review status: criteria provided, multiple submitters, no conflicts (2 of 4 stars). 3 submissions from 3 submitters: Uncertain significance (3). Last evaluated 2022-09-07.

Conditions:
Inborn genetic diseases. Identifiers: MedGen C0950123, MeSH D030342.
Cortical dysplasia-focal epilepsy syndrome (PTHSL1). Also called: Pitt-Hopkins-like syndrome 1. Identifiers: Orphanet 163681, Orphanet 221150, MedGen C2750246, MONDO:0012400, OMIM 610042.

Allele frequency attached by ClinVar (database versions not stated): TOPMed 0.00001; 1000 Genomes Project 30x 0.00016; 1000 Genomes Project 0.00020.
gnomAD v4.1: 22 of 1,614,118 alleles (0.0014%); highest among the groups gnomAD compares: Non-Finnish European, 0.0017%; no homozygotes.

Submissions (3):

GeneDx
Classification: Uncertain significance. Last evaluated: 2022-09-07. Review status: criteria provided, single submitter. Criteria: GeneDx Variant Classification Process June 2021. Collection method: clinical testing. Allele origin: germline. Affected: yes.
Comment: Not observed at significant frequency in large population cohorts (gnomAD); In silico analysis supports that this missense variant does not alter protein structure/function; Has not been previously published as pathogenic or benign to our knowledge

Labcorp Genetics (formerly Invitae), Labcorp
Classification: Uncertain significance for Cortical dysplasia-focal epilepsy syndrome. Last evaluated: 2021-08-30. Review status: criteria provided, single submitter. Criteria: Invitae Variant Classification Sherloc (09022015). Collection method: clinical testing. Allele origin: germline.
Comment: This sequence change replaces threonine with asparagine at codon 831 of the CNTNAP2 protein (p.Thr831Asn). The threonine residue is weakly conserved and there is a small physicochemical difference between threonine and asparagine. This variant is present in population databases (rs138344590, ExAC 0.003%). This variant has not been reported in the literature in individuals affected with CNTNAP2-related conditions. Algorithms developed to predict the effect of missense changes on protein structure and function (SIFT, PolyPhen-2, Align-GVGD) all suggest that this variant is likely to be tolerated. In summary, the available evidence is currently insufficient to determine the role of this variant in disease. Therefore, it has been classified as a Variant of Uncertain Significance.

Ambry Genetics
Classification: Uncertain significance for Inborn genetic diseases. Last evaluated: 2017-11-17. Review status: criteria provided, single submitter. Criteria: Ambry Variant Classification Scheme 2023. Collection method: clinical testing. Allele origin: germline.
Comment: The p.T831N variant (also known as c.2492C>A), located in coding exon 16 of the CNTNAP2 gene, results from a C to A substitution at nucleotide position 2492. The threonine at codon 831 is replaced by asparagine, an amino acid with similar properties. This amino acid position is not well conserved in available vertebrate species. In addition, this alteration is predicted to be tolerated by in silico analysis. Since supporting evidence is limited at this time, the clinical significance of this alteration remains unclear.

NM_014141.6(CNTNAP2):c.2492C>A (p.Thr831Asn)

Gene: CNTNAP2 (contactin associated protein 2; plus strand). Cytogenetic location: 7q35.
Variant type: single nucleotide variant.
Coding change: c.2492C>A on transcript NM_014141.6 (MANE Select); coding-DNA position 2492, C replaced by A.
Protein change: p.Thr831Asn; replaces threonine 831 with asparagine.
Molecular consequence: missense variant.
Genome position (GRCh38, 1-based): chr7:148,118,226, C>A. VCF-style: chr7-148118226-C-A. GRCh37 (hg19) VCF-style: chr7-147815318-C-A.
Other names: short protein forms T831N.
Identifiers: ClinVar variation 953557 (VCV000953557.10), dbSNP rs138344590, ClinGen allele CA4546412.